The following is an entry in ClinVar:

NM_006648.4(WNK2):c.4421C>T (p.Pro1474Leu)

Gene: WNK2 (WNK lysine deficient protein kinase 2; plus strand). Cytogenetic location: 9q22.31.
Variant type: single nucleotide variant.
Coding change: c.4421C>T on transcript NM_006648.4 (MANE Select); coding-DNA position 4421, C replaced by T.
Protein change: p.Pro1474Leu; replaces proline 1474 with leucine.
Molecular consequence: missense variant.
Genome position (GRCh38, 1-based): chr9:93,289,175, C>T. VCF-style: chr9-93289175-C-T. GRCh37 (hg19) VCF-style: chr9-96051457-C-T.
Other names: c.4532C>T, p.Pro1511Leu (NM_001282394.3); short protein forms P1474L, P1511L.
Identifiers: ClinVar variation 4605395 (VCV004605395.1).

ClinVar aggregate classification (germline): Uncertain significance (1 of 4 stars; one submission).

Submission:

Ambry Genetics
Classification: Uncertain significance. Last evaluated: 2025-11-25. Review status: criteria provided, single submitter. Criteria: Ambry Variant Classification Scheme 2023. Collection method: clinical testing. Allele origin: germline.
Comment: The p.P1474L variant (also known as c.4421C>T), located in coding exon 19 of the WNK2 gene, results from a C to T substitution at nucleotide position 4421. The proline at codon 1474 is replaced by leucine, an amino acid with similar properties. This amino acid position is conserved. In addition, this alteration is predicted to be tolerated by in silico analysis. Based on the available evidence, the clinical significance of this variant remains unclear.